The following is an entry in ClinVar:

NM_006258.4(PRKG1):c.215C>G (p.Pro72Arg)

Gene: PRKG1 (protein kinase cGMP-dependent 1; plus strand). Cytogenetic location: 10q11.23.
Variant type: single nucleotide variant.
Coding change: c.215C>G on transcript NM_006258.4 (MANE Select); coding-DNA position 215, C replaced by G.
Protein change: p.Pro72Arg; replaces proline 72 with arginine.
Molecular consequence: missense variant. On other transcripts: intron variant (1).
Genome position (GRCh38, 1-based): chr10:51,074,805, C>G. VCF-style: chr10-51074805-C-G. GRCh37 (hg19) VCF-style: chr10-52834565-C-G.
Other names: c.215C>G, p.Pro72Arg (NM_001374782.1); c.267-78359C>G (NM_001098512.3); short protein forms P72R.
Identifiers: ClinVar variation 4144547 (VCV004144547.1).

ClinVar aggregate classification (germline): Uncertain significance (1 of 4 stars; one submission).

Conditions:
Familial thoracic aortic aneurysm and aortic dissection (TAAD). Also called: Thoracic aortic aneurysms and dissections. Identifiers: Orphanet 91387, MedGen C4707243, MONDO:0019625.

gnomAD v4.1: 2 of 1,613,860 alleles (0.00012%); highest among the groups gnomAD compares: Non-Finnish European, 0.000085%; no homozygotes.

Submission:

Ambry Genetics
Classification: Uncertain significance for Familial thoracic aortic aneurysm and aortic dissection. Last evaluated: 2025-08-19. Review status: criteria provided, single submitter. Criteria: Ambry Variant Classification Scheme 2023. Collection method: clinical testing. Allele origin: germline.
Comment: The p.P72R variant (also known as c.215C>G), located in coding exon 1 of the PRKG1 gene, results from a C to G substitution at nucleotide position 215. The proline at codon 72 is replaced by arginine, an amino acid with dissimilar properties. This amino acid position is conserved. In addition, this alteration is predicted to be tolerated by in silico analysis. Based on the available evidence, the clinical significance of this variant remains unclear.